The following is an entry in ClinVar:

ClinVar aggregate classification (germline): Uncertain significance (1 of 4 stars; one submission).

Submission:

Labcorp Genetics (formerly Invitae), Labcorp
Classification: Uncertain significance. Last evaluated: 2021-08-11. Review status: criteria provided, single submitter. Criteria: Invitae Variant Classification Sherloc (09022015). Collection method: clinical testing. Allele origin: germline.
Comment: Advanced modeling of protein sequence and biophysical properties (such as structural, functional, and spatial information, amino acid conservation, physicochemical variation, residue mobility, and thermodynamic stability) performed at Invitae indicates that this missense variant is not expected to disrupt LRP2 protein function. This variant has not been reported in the literature in individuals affected with LRP2-related conditions. This variant is not present in population databases (ExAC no frequency). This sequence change replaces valine with leucine at codon 3050 of the LRP2 protein (p.Val3050Leu). The valine residue is highly conserved and there is a small physicochemical difference between valine and leucine. In summary, the available evidence is currently insufficient to determine the role of this variant in disease. Therefore, it has been classified as a Variant of Uncertain Significance.

NM_004525.3(LRP2):c.9148G>C (p.Val3050Leu)

Gene: LRP2 (LDL receptor related protein 2; minus strand). Cytogenetic location: 2q31.1.
Variant type: single nucleotide variant.
Coding change: c.9148G>C on transcript NM_004525.3 (MANE Select); coding-DNA position 9148, G replaced by C.
Protein change: p.Val3050Leu; replaces valine 3050 with leucine.
Molecular consequence: missense variant.
Genome position (GRCh38, 1-based): chr2:169,188,150, C>G on the plus strand (G>C on the coding strand, the complement: LRP2 is on the minus strand). VCF-style: chr2-169188150-C-G. GRCh37 (hg19) VCF-style: chr2-170044660-C-G.
Other names: short protein forms V3050L.
Identifiers: ClinVar variation 1446799 (VCV001446799.6), dbSNP rs774960835, ClinGen allele CA349157009.
Genomic context (GRCh38, chr2:169,188,150, plus strand): 5'-TGTGGCACAGGTGCATCAGCTCATCAGATCCGTCTCCACAGTCATTATCCTCATCACAGA[C>G]GAAGGTTTTACTAATGCAGCGCCCGTTCTGACAGGTAAACTGATTCTGTTGGCAAGTCTG-3'
Protein context (NP_004516.2, residues 3040-3060): QNGRCISKTF[Val3050Leu]CDEDNDCGDG